The following is an entry in ClinVar:

NC_000022.10:g.(?_29090010)_(29115483_?)dup

Gene: CHEK2 (checkpoint kinase 2; minus strand). Cytogenetic location: 22q12.1.
Variant type: Duplication.
Identifiers: ClinVar variation 3247535 (VCV003247535.1).

ClinVar aggregate classification (germline): Likely pathogenic (1 of 4 stars; one submission).

Conditions:
Familial cancer of breast. Also called: BREAST CANCER, FAMILIAL; Hereditary breast cancer; hereditary breast carcinoma. Identifiers: Orphanet 227535, MedGen C0346153, MONDO:0016419, OMIM 114480. Disease mechanism: loss of function.

Submission:

Labcorp Genetics (formerly Invitae), Labcorp
Classification: Likely pathogenic for Familial cancer of breast. Last evaluated: 2023-04-10. Review status: criteria provided, single submitter. Criteria: Invitae Variant Classification Sherloc (09022015). Collection method: clinical testing. Allele origin: unknown.
Comment: In summary, the currently available evidence indicates that the variant is pathogenic, but additional data are needed to prove that conclusively. Therefore, this variant has been classified as Likely Pathogenic. This variant has not been reported in the literature in individuals affected with CHEK2-related conditions. This variant results in a copy number gain of the genomic region encompassing exon(s) 5-13 of the CHEK2 gene. While the exact position of this variant cannot be determined from the data, sub-genic copy number gains are generally in tandem (PMID: 25640679). This variant is predicted to be out-of-frame, and may result in an absent or disrupted protein product. Loss-of-function variants in CHEK2 are known to be pathogenic (PMID: 21876083, 24713400).

Literature cited by the submitters: PubMed 25640679; PubMed 21876083; PubMed 24713400.